The following is an entry in ClinVar:

ClinVar aggregate classification (germline): Benign (1 of 4 stars; one submission).

gnomAD v4.1: 2,089 of 1,536,088 alleles (0.14%); highest among the groups gnomAD compares: African/African-American, 2.7%; 31 homozygotes.

Submission:

CeGaT Center for Human Genetics Tuebingen
Classification: Benign. Last evaluated: 2025-03-01. Review status: criteria provided, single submitter. Criteria: CeGaT Center For Human Genetics Tuebingen Variant Classification Criteria Version 2. Collection method: clinical testing. Allele origin: germline. Affected: yes. Observed: 1 variant allele.
Comment: A3GALT2: BS1, BS2

NM_001080438.1(A3GALT2):c.591C>A (p.Cys197Ter)

Gene: A3GALT2 (alpha 1,3-galactosyltransferase 2; minus strand). Cytogenetic location: 1p35.1.
Variant type: single nucleotide variant.
Coding change: c.591C>A on transcript NM_001080438.1 (MANE Select); coding-DNA position 591, C replaced by A.
Protein change: p.Cys197Ter; replaces cysteine 197 with a stop codon.
Molecular consequence: nonsense.
Genome position (GRCh38, 1-based): chr1:33,307,198, G>T on the plus strand (C>A on the coding strand, the complement: A3GALT2 is on the minus strand). VCF-style: chr1-33307198-G-T. GRCh37 (hg19) VCF-style: chr1-33772799-G-T.
Other names: short protein forms C197*.
Identifiers: ClinVar variation 3777911 (VCV003777911.7).
Genomic context (GRCh38, chr1:33,307,198, plus strand): 5'-CACCGACTCGGCCAGCGCCTCGGGCCCAAAAGTGCCGCTGAAGTGCTGGTCCACGTCCAT[G>T]CAGAACATGAAGTGCGCCTCGCGGCCCGGCAGCCCGCCCAGCGCCGCGTGCAACGTGCGC-3'